The following is an entry in ClinVar:

ClinVar aggregate classification (germline): Uncertain significance (1 of 4 stars; one submission).

Conditions:
Familial thoracic aortic aneurysm and aortic dissection (TAAD). Also called: Thoracic aortic aneurysms and dissections. Identifiers: Orphanet 91387, MedGen C4707243, MONDO:0019625.

Submission:

Ambry Genetics
Classification: Uncertain significance for Familial thoracic aortic aneurysm and aortic dissection. Last evaluated: 2026-06-24. Review status: criteria provided, single submitter. Criteria: Ambry Variant Classification Scheme 2023. Collection method: clinical testing. Allele origin: germline.
Comment: The c.4352T>C (p.L1451S) alteration is located in exon 31 (coding exon 31) of the MED12 gene. This alteration results from a T to C substitution at nucleotide position 4352, causing the leucine (L) at amino acid position 1451 to be replaced by a serine (S). This variant was not reported in population-based cohorts in the Genome Aggregation Database (gnomAD). This amino acid position is highly conserved in available vertebrate species. This missense variant is located in a region that has a low rate of benign missense variation (Lek, 2016; Firth, 2009). This alteration is predicted to be deleterious by in silico analysis. Based on insufficient or conflicting evidence, the clinical significance of this alteration remains unclear.

NM_005120.3(MED12):c.4352T>C (p.Leu1451Ser)

Gene: MED12 (mediator complex subunit 12; plus strand). Cytogenetic location: Xq13.1.
Variant type: single nucleotide variant.
Coding change: c.4352T>C on transcript NM_005120.3 (MANE Select); coding-DNA position 4352, T replaced by C.
Protein change: p.Leu1451Ser; replaces leucine 1451 with serine.
Molecular consequence: missense variant.
Genome position (GRCh38, 1-based): chrX:71,132,475, T>C. VCF-style: chrX-71132475-T-C. GRCh37 (hg19) VCF-style: chrX-70352325-T-C.
Other names: short protein forms L1451S.
Identifiers: ClinVar variation 5024241 (VCV005024241.1).
Genomic context (GRCh38, chrX:71,132,475, plus strand): 5'-TCATTGCTAAACTGCCCACCTCAGTCCAGGGACATGTGTTAAAGGCTGCTGGGGAAGAAT[T>C]GGAGAAGGGTCAGCACCTGGGTTCCTCTTCACGCAAAGAACGTGATCGACAAAAGCAGAA-3'
Protein context (NP_005111.2, residues 1441-1461): GHVLKAAGEE[Leu1451Ser]EKGQHLGSSS